The following is an entry in ClinVar:

NM_152419.3(HGSNAT):c.1251-2A>G

Gene: HGSNAT (heparan-alpha-glucosaminide N-acetyltransferase; plus strand). Cytogenetic location: 8p11.21.
Variant type: single nucleotide variant.
Coding change: c.1251-2A>G on transcript NM_152419.3 (MANE Select); the canonical splice acceptor site of the intron before coding-DNA position 1251, A replaced by G.
Molecular consequence: splice acceptor variant.
Genome position (GRCh38, 1-based): chr8:43,192,302, A>G. VCF-style: chr8-43192302-A-G. GRCh37 (hg19) VCF-style: chr8-43047445-A-G.
Other names: c.1251-2A>G (NM_001363227.2); c.387-2A>G (NM_001363229.2); c.1059-2A>G (NM_001363228.2).
Identifiers: ClinVar variation 4786739 (VCV004786739.1).

ClinVar aggregate classification (germline): Likely pathogenic (1 of 4 stars; one submission).

Conditions:
Retinitis pigmentosa 73 (RP73). Identifiers: Orphanet 791, MedGen C4225287, MONDO:0014687, OMIM 616544.
Mucopolysaccharidosis, MPS-III-C (MPS3C). Also called: MPS IIIC (Sanfilippo Syndrome Type C); SANFILIPPO SYNDROME C; MPS III C; Mucopolysaccharidosis type IIIC (Sanfilippo C); MUCOPOLYSACCHARIDOSIS, TYPE IIIC; mucopolysaccharidosis type 3C. Identifiers: Orphanet 581, Orphanet 79271, MedGen C0086649, MONDO:0009657, OMIM 252930.

Submission:

Labcorp Genetics (formerly Invitae), Labcorp
Classification: Likely pathogenic for Retinitis pigmentosa 73; Mucopolysaccharidosis, MPS-III-C. Last evaluated: 2025-11-22. Review status: criteria provided, single submitter. Criteria: Invitae Variant Classification Sherloc (09022015). Collection method: clinical testing. Allele origin: germline.
Comment: This sequence change affects an acceptor splice site in intron 12 of the HGSNAT gene. It is expected to disrupt RNA splicing. Variants that disrupt the donor or acceptor splice site typically lead to a loss of protein function (PMID: 16199547), and loss-of-function variants in HGSNAT are known to be pathogenic (PMID: 17033958, 19479962, 25859010). This variant is not present in population databases (gnomAD no frequency). This variant has not been reported in the literature in individuals affected with HGSNAT-related conditions. Algorithms developed to predict the effect of sequence changes on RNA splicing suggest that this variant may disrupt the consensus splice site. In summary, the currently available evidence indicates that the variant is pathogenic, but additional data are needed to prove that conclusively. Therefore, this variant has been classified as Likely Pathogenic.

Literature cited by the submitters: PubMed 16199547; PubMed 17033958; PubMed 19479962; PubMed 25859010.